The following is an entry in ClinVar:

ClinVar aggregate classification (germline): Likely benign (1 of 4 stars; one submission).

Allele frequency attached by ClinVar (database versions not stated): 1000 Genomes Project 0.00180; gnomAD exomes 0.00199; TOPMed 0.00213; ESP Exome Variant Server 0.00215; gnomAD 0.00229; ExAC 0.00233; 1000 Genomes Project 30x 0.00172.
gnomAD v4.1: 3,252 of 1,600,054 alleles (0.2%); highest among the groups gnomAD compares: Middle Eastern, 0.93%; 19 homozygotes.

Submission:

CeGaT Center for Human Genetics Tuebingen
Classification: Likely benign. Last evaluated: 2023-09-01. Review status: criteria provided, single submitter. Criteria: CeGaT Center For Human Genetics Tuebingen Variant Classification Criteria Version 2. Collection method: clinical testing. Allele origin: germline. Affected: yes. Observed: 1 variant allele.
Comment: HERC4: BS2

NM_015601.4(HERC4):c.2716G>A (p.Asp906Asn)

Gene: HERC4 (HECT and RLD domain containing E3 ubiquitin protein ligase 4; minus strand). Cytogenetic location: 10q21.3.
Variant type: single nucleotide variant.
Coding change: c.2716G>A on transcript NM_015601.4 (MANE Select); coding-DNA position 2716, G replaced by A.
Protein change: p.Asp906Asn; replaces aspartic acid 906 with asparagine.
Molecular consequence: missense variant.
Genome position (GRCh38, 1-based): chr10:67,932,719, C>T on the plus strand (G>A on the coding strand, the complement: HERC4 is on the minus strand). VCF-style: chr10-67932719-C-T. GRCh37 (hg19) VCF-style: chr10-69692476-C-T.
Other names: c.2506G>A, p.Asp836Asn (NM_001278185.2); c.1951G>A, p.Asp651Asn (NM_001278186.2); c.2740G>A, p.Asp914Asn (NM_022079.3); short protein forms D651N, D836N, D906N, D914N.
Identifiers: ClinVar variation 2640521 (VCV002640521.24), dbSNP rs143083420, ClinGen allele CA5521526.